The following is an entry in ClinVar:

NM_032043.3(BRIP1):c.2012A>T (p.Glu671Val)

Gene: BRIP1 (BRCA1 interacting DNA helicase 1; minus strand). Cytogenetic location: 17q23.2.
Variant type: single nucleotide variant.
Coding change: c.2012A>T on transcript NM_032043.3 (MANE Select); coding-DNA position 2012, A replaced by T.
Protein change: p.Glu671Val; replaces glutamic acid 671 with valine.
Molecular consequence: missense variant.
Genome position (GRCh38, 1-based): chr17:61,776,486, T>A on the plus strand (A>T on the coding strand, the complement: BRIP1 is on the minus strand). VCF-style: chr17-61776486-T-A. GRCh37 (hg19) VCF-style: chr17-59853847-T-A.
Other names: short protein forms E671V.
Identifiers: ClinVar variation 5033452 (VCV005033452.1).

ClinVar aggregate classification (germline): Uncertain significance (1 of 4 stars; one submission).

Conditions:
Hereditary cancer-predisposing syndrome. Also called: Neoplastic Syndromes, Hereditary; Tumor predisposition; Hereditary neoplastic syndrome; Hereditary Cancer Syndrome. Identifiers: Orphanet 140162, MedGen C0027672, MeSH D009386, MONDO:0015356.

Submission:

Ambry Genetics
Classification: Uncertain significance for Hereditary cancer-predisposing syndrome. Last evaluated: 2026-08-15. Review status: criteria provided, single submitter. Criteria: Ambry Variant Classification Scheme 2023. Collection method: clinical testing. Allele origin: germline.
Comment: The p.E671V variant (also known as c.2012A>T), located in coding exon 13 of the BRIP1 gene, results from an A to T substitution at nucleotide position 2012. The glutamic acid at codon 671 is replaced by valine, an amino acid with dissimilar properties. This amino acid position is conserved. In addition, this alteration is predicted to be tolerated by in silico analysis. Based on the available evidence, the clinical significance of this variant remains unclear.